The following is an entry in ClinVar:

ClinVar aggregate classification (germline): Uncertain significance (1 of 4 stars; one submission).

Conditions:
Charcot-Marie-Tooth disease recessive intermediate B. Also called: CHARCOT-MARIE-TOOTH NEUROPATHY, RECESSIVE INTERMEDIATE B. Identifiers: Orphanet 254334, MedGen C3150897, MONDO:0013338, OMIM 613641.
Leukoencephalopathy, progressive, infantile-onset, with or without deafness. Identifiers: MedGen C5542996, MONDO:0030893, OMIM 619147.
Deafness, congenital, and adult-onset progressive leukoencephalopathy. Identifiers: MedGen C5543087, MONDO:0030967, OMIM 619196.
Autosomal recessive nonsyndromic hearing loss 89. Also called: Deafness, autosomal recessive 89. Identifiers: Orphanet 90636, MedGen C3151351, MONDO:0013489, OMIM 613916.

Submission:

Juno Genomics, Hangzhou Juno Genomics, Inc
Classification: Uncertain significance for Charcot-Marie-Tooth disease recessive intermediate B; Autosomal recessive nonsyndromic hearing loss 89; Deafness, congenital, and adult-onset progressive leukoencephalopathy; Leukoencephalopathy, progressive, infantile-onset, with or without deafness. Review status: criteria provided, single submitter. Criteria: ACMG Guidelines, 2015. Collection method: clinical testing. Allele origin: germline. Affected: yes.
Comment: Absent from controls (or at extremely low frequency if recessive) in Genome Aggregation Database.;Multiple lines of computational evidence support a deleterious effect on the gene or gene product.

NM_005548.3(KARS1):c.991C>T (p.His331Tyr)

Gene: KARS1 (lysyl-tRNA synthetase 1; minus strand). Cytogenetic location: 16q23.1.
Variant type: single nucleotide variant.
Coding change: c.991C>T on transcript NM_005548.3 (MANE Select); coding-DNA position 991, C replaced by T.
Protein change: p.His331Tyr; replaces histidine 331 with tyrosine.
Molecular consequence: missense variant.
Genome position (GRCh38, 1-based): chr16:75,631,780, G>A on the plus strand (C>T on the coding strand, the complement: KARS1 is on the minus strand). VCF-style: chr16-75631780-G-A. GRCh37 (hg19) VCF-style: chr16-75665678-G-A.
Other names: c.1075C>T, p.His359Tyr (NM_001130089.2); c.523C>T, p.His175Tyr (NM_001378148.1); short protein forms H175Y, H331Y, H359Y.
Identifiers: ClinVar variation 5018739 (VCV005018739.1).